The following is an entry in ClinVar:

NM_020297.4(ABCC9):c.1219del (p.Glu407fs)

Gene: ABCC9 (ATP binding cassette subfamily C member 9; minus strand). Cytogenetic location: 12p12.1.
Variant type: Deletion.
Coding change: c.1219del on transcript NM_020297.4 (MANE Select); coding-DNA position 1219, one base deleted (G; older notation c.1219delG).
Protein change: p.Glu407fs; shifts the reading frame from glutamic acid 407.
Molecular consequence: frameshift variant.
Genome position (GRCh38, 1-based): chr12:21,910,258, C deleted on the plus strand (G on the coding strand, the reverse complement: ABCC9 is on the minus strand); the first of 5 consecutive C bases (chr12:21,910,258-21,910,262); deleting any one gives the same sequence. VCF-style (leftmost placement, unchanged base first): chr12-21910257-TC-T. GRCh37 (hg19) VCF-style: chr12-22063191-TC-T.
Other names: c.1219del, p.Glu407fs (NM_001377273.1, NM_005691.4); c.355del, p.Glu119fs (NM_001377274.1); short protein forms E407fs, E119fs.
Identifiers: ClinVar variation 2167066 (VCV002167066.4), dbSNP rs2541668124, ClinGen allele CA2580085276.

ClinVar aggregate classification (germline): Pathogenic (1 of 4 stars; one submission).

Conditions:
Dilated cardiomyopathy 1O (CMD1O). Also called: CARDIOMYOPATHY, DILATED, WITH VENTRICULAR TACHYCARDIA. Identifiers: Orphanet 154, MedGen C1837839, MONDO:0012062, OMIM 608569.

Submission:

Labcorp Genetics (formerly Invitae), Labcorp
Classification: Pathogenic for Dilated cardiomyopathy 1O. Last evaluated: 2024-10-07. Review status: criteria provided, single submitter. Criteria: Invitae Variant Classification Sherloc (09022015). Collection method: clinical testing. Allele origin: germline.
Comment: This sequence change creates a premature translational stop signal (p.Glu407Argfs*2) in the ABCC9 gene. It is expected to result in an absent or disrupted protein product. Loss-of-function variants in ABCC9 are known to be pathogenic (PMID: 31575858, 38217872). This variant is not present in population databases (gnomAD no frequency). This variant has not been reported in the literature in individuals affected with ABCC9-related conditions. ClinVar contains an entry for this variant (Variation ID: 2167066). Algorithms developed to predict the effect of sequence changes on RNA splicing suggest that this variant may disrupt the consensus splice site. For these reasons, this variant has been classified as Pathogenic.

Literature cited by the submitters: PubMed 31575858; PubMed 38217872.